The following is an entry in ClinVar:

ClinVar aggregate classification (germline): Uncertain significance. Review status: criteria provided, multiple submitters, no conflicts (2 of 4 stars). 5 submissions from 5 submitters: Uncertain significance (5). Last evaluated 2026-03-11.

Conditions:
Ullrich congenital muscular dystrophy 2 (UCMD2). Identifiers: Orphanet 75840, MedGen C4225314, MONDO:0014654, OMIM 616470.
Bethlem myopathy 2 (BTHLM2). Identifiers: Orphanet 536516, Orphanet 610, MedGen C4225313, MONDO:0034022, OMIM 616471.

Allele frequency attached by ClinVar (database versions not stated): gnomAD 0.00003; TOPMed 0.00003; gnomAD exomes 0.00004; ExAC 0.00006; ESP Exome Variant Server 0.00008.

Submissions (5):

Women's Health and Genetics/Laboratory Corporation of America, LabCorp
Classification: Uncertain significance. Last evaluated: 2026-03-11. Review status: criteria provided, single submitter. Criteria: LabCorp Variant Classification Summary - May 2015. Collection method: clinical testing. Allele origin: germline.
Comment: Variant summary: COL12A1 c.3818G>C (p.Gly1273Ala) results in a non-conservative amino acid change located in the VWFA 3 (von Willebrand factor, type A) domain (IPR002035) of the encoded protein sequence. Algorithms developed to predict the effect of missense changes on protein structure and function are either unavailable or do not agree on the potential impact of this missense change. The variant allele was found at a frequency of 3.6e-05 in 248864 control chromosomes. The available data on variant occurrences in the general population are insufficient to allow any conclusion about variant significance. To our knowledge, no occurrence of c.3818G>C in individuals affected with COL12A1-related conditions and no experimental evidence demonstrating its impact on protein function have been reported. ClinVar contains an entry for this variant (Variation ID: 426623). Based on the evidence outlined above, the variant was classified as uncertain significance.

GeneDx
Classification: Uncertain significance. Last evaluated: 2026-01-16. Review status: criteria provided, single submitter. Criteria: GeneDx Variant Classification Process June 2021. Collection method: clinical testing. Allele origin: germline. Affected: yes.
Comment: Has not been previously published as pathogenic or benign to our knowledge; In silico analysis supports that this missense variant has a deleterious effect on protein structure/function

Labcorp Genetics (formerly Invitae), Labcorp
Classification: Uncertain significance for Bethlem myopathy 2; Ullrich congenital muscular dystrophy 2. Last evaluated: 2025-12-30. Review status: criteria provided, single submitter. Criteria: Invitae Variant Classification Sherloc (09022015). Collection method: clinical testing. Allele origin: germline.
Comment: This sequence change replaces glycine, which is neutral and non-polar, with alanine, which is neutral and non-polar, at codon 1273 of the COL12A1 protein (p.Gly1273Ala). This variant is present in population databases (rs377553583, gnomAD 0.007%). This variant has not been reported in the literature in individuals affected with COL12A1-related conditions. ClinVar contains an entry for this variant (Variation ID: 426623). Invitae Evidence Modeling of protein sequence and biophysical properties (such as structural, functional, and spatial information, amino acid conservation, physicochemical variation, residue mobility, and thermodynamic stability) has been performed for this missense variant. However, the output from this modeling did not meet the statistical confidence thresholds required to predict the impact of this variant on COL12A1 protein function. In summary, the available evidence is currently insufficient to determine the role of this variant in disease. Therefore, it has been classified as a Variant of Uncertain Significance.

Department of Pathology and Laboratory Medicine, Sinai Health System
Classification: Uncertain significance for Bethlem myopathy 2. Last evaluated: 2021-07-30. Review status: criteria provided, single submitter. Criteria: ACMG Guidelines, 2015. Collection method: research. Allele origin: germline.

Revvity Omics, Revvity
Classification: Uncertain significance. Last evaluated: 2020-09-24. Review status: criteria provided, single submitter. Criteria: ACMG Guidelines, 2015. Collection method: clinical testing. Allele origin: germline.

NM_004370.6(COL12A1):c.3818G>C (p.Gly1273Ala)

Gene: COL12A1 (collagen type XII alpha 1 chain; minus strand). Cytogenetic location: 6q13.
Variant type: single nucleotide variant.
Coding change: c.3818G>C on transcript NM_004370.6 (MANE Select); coding-DNA position 3818, G replaced by C.
Protein change: p.Gly1273Ala; replaces glycine 1273 with alanine.
Molecular consequence: missense variant.
Genome position (GRCh38, 1-based): chr6:75,152,148, C>G on the plus strand (G>C on the coding strand, the complement: COL12A1 is on the minus strand). VCF-style: chr6-75152148-C-G. GRCh37 (hg19) VCF-style: chr6-75861864-C-G.
Other names: c.326G>C, p.Gly109Ala (NM_080645.3); short protein forms G1273A, G109A.
Identifiers: ClinVar variation 426623 (VCV000426623.21), dbSNP rs377553583, ClinGen allele CA3893615.